The following is an entry in ClinVar:

NM_000142.5(FGFR3):c.1959+9G>A

Gene: FGFR3 (fibroblast growth factor receptor 3; plus strand). Cytogenetic location: 4p16.3.
Variant type: single nucleotide variant.
Coding change: c.1959+9G>A on transcript NM_000142.5 (MANE Select); 9 bases into the intron after coding-DNA position 1959, G replaced by A.
Molecular consequence: intron variant.
Genome position (GRCh38, 1-based): chr4:1,806,182, G>A. VCF-style: chr4-1806182-G-A. GRCh37 (hg19) VCF-style: chr4-1807909-G-A.
Other names: c.1959+9G>A (NM_000142.4); c.1965+9G>A (NM_001163213.2); c.1962+9G>A (NM_001354809.2, NM_001354810.2); c.1623+9G>A (NM_022965.4).
Identifiers: ClinVar variation 1680114 (VCV001680114.10), dbSNP rs769392301, ClinGen allele CA2810638.

ClinVar aggregate classification (germline): Likely benign. Review status: criteria provided, single submitter (1 of 4 stars). 2 submissions from 2 submitters: Likely benign (1). 1 of the submissions does not count toward it. Last evaluated 2025-07-27.

Conditions:
FGFR3-related disorder. Also called: FGFR3-related disorders.

Allele frequency attached by ClinVar (database versions not stated): ExAC 0.00002; gnomAD exomes 0.00003; TOPMed 0.00004; gnomAD 0.00005 and 0.00006.
gnomAD v4.1: 51 of 1,612,556 alleles (0.0032%); highest among the groups gnomAD compares: Admixed American, 0.0083%; no homozygotes.

Submissions (2):

Labcorp Genetics (formerly Invitae), Labcorp
Classification: Likely benign. Last evaluated: 2025-07-27. Review status: criteria provided, single submitter. Criteria: Invitae Variant Classification Sherloc (09022015). Collection method: clinical testing. Allele origin: germline.

PreventionGenetics, part of Exact Sciences
Classification: Likely benign for FGFR3-related condition. Last evaluated: 2024-02-16. Review status: no assertion criteria provided. Collection method: clinical testing. Allele origin: germline. Not counted in ClinVar's aggregate classification.
Comment: This variant is classified as likely benign based on ACMG/AMP sequence variant interpretation guidelines (Richards et al. 2015 PMID: 25741868, with internal and published modifications).